The following is an entry in ClinVar:

ClinVar aggregate classification (germline): Uncertain significance. Review status: criteria provided, multiple submitters, no conflicts (2 of 4 stars). 3 submissions from 3 submitters: Uncertain significance (2). 1 of the submissions does not count toward it. Last evaluated 2025-09-24.

Conditions:
Muscle eye brain disease (MEB). Also called: Santavuori congenital muscular dystrophy. Identifiers: Orphanet 588, Orphanet 899, MedGen C0457133, MONDO:0018939.
Autosomal recessive limb-girdle muscular dystrophy type 2O. Also called: Limb-Girdle Muscular Dystrophy Type 3C; MUSCULAR DYSTROPHY-DYSTROGLYCANOPATHY (LIMB-GIRDLE), TYPE C, 3; MUSCULAR DYSTROPHY-DYSTROGLYCANOPATHY, LIMB-GIRDLE, POMGNT1-RELATED. Identifiers: Orphanet 206564, MedGen C3150417, MONDO:0013161, OMIM 613157.
Muscular dystrophy-dystroglycanopathy (congenital with impaired intellectual development), type B, 3. Also called: Muscular dystrophy-dystroglycanopathy (congenital with intellectual disability), type B3; MUSCULAR DYSTROPHY, CONGENITAL, POMGNT1-RELATED. Identifiers: MedGen C3150412, MONDO:0013155, OMIM 613151.

Allele frequency attached by ClinVar (database versions not stated): gnomAD exomes below 0.00001.
gnomAD v4.1: 4 of 1,614,094 alleles (0.00025%); highest among the groups gnomAD compares: Non-Finnish European, 0.00025%; no homozygotes.

Submissions (3):

Labcorp Genetics (formerly Invitae), Labcorp
Classification: Uncertain significance for Autosomal recessive limb-girdle muscular dystrophy type 2O; Muscular dystrophy-dystroglycanopathy (congenital with impaired intellectual development), type B, 3. Last evaluated: 2025-09-24. Review status: criteria provided, single submitter. Criteria: Invitae Variant Classification Sherloc (09022015). Collection method: clinical testing. Allele origin: germline.
Comment: This sequence change replaces proline, which is neutral and non-polar, with serine, which is neutral and polar, at codon 6 of the POMGNT1 protein (p.Pro6Ser). This variant is not present in population databases (gnomAD no frequency). This variant has not been reported in the literature in individuals affected with POMGNT1-related conditions. ClinVar contains an entry for this variant (Variation ID: 500451). Invitae Evidence Modeling of protein sequence and biophysical properties (such as structural, functional, and spatial information, amino acid conservation, physicochemical variation, residue mobility, and thermodynamic stability) indicates that this missense variant is not expected to disrupt POMGNT1 protein function with a negative predictive value of 95%. In summary, the available evidence is currently insufficient to determine the role of this variant in disease. Therefore, it has been classified as a Variant of Uncertain Significance.

Eurofins Ntd Llc (ga)
Classification: Uncertain significance. Last evaluated: 2017-02-20. Review status: criteria provided, single submitter. Criteria: EGL Classification Definitions 2015. Collection method: clinical testing. Allele origin: germline. Observed: 1 variant allele, 1 heterozygote.

Natera, Inc.
Classification: Uncertain significance for Muscle-eye-brain disease. Last evaluated: 2020-11-19. Review status: no assertion criteria provided. Collection method: clinical testing. Allele origin: germline. Not counted in ClinVar's aggregate classification.

NM_017739.4(POMGNT1):c.16C>T (p.Pro6Ser)

Gene: POMGNT1 (protein O-linked mannose N-acetylglucosaminyltransferase 1 (beta 1,2-); minus strand). Cytogenetic location: 1p34.1.
Variant type: single nucleotide variant.
Coding change: c.16C>T on transcript NM_017739.4 (MANE Select); coding-DNA position 16, C replaced by T.
Protein change: p.Pro6Ser; replaces proline 6 with serine.
Molecular consequence: missense variant.
Genome position (GRCh38, 1-based): chr1:46,197,806, G>A on the plus strand (C>T on the coding strand, the complement: POMGNT1 is on the minus strand). VCF-style: chr1-46197806-G-A. GRCh37 (hg19) VCF-style: chr1-46663478-G-A.
Other names: c.16C>T, p.Pro6Ser (NM_001243766.2); short protein forms P6S.
Identifiers: ClinVar variation 500451 (VCV000500451.9), dbSNP rs1553164303, ClinGen allele CA340193306.